The following is an entry in ClinVar:

NM_000466.3(PEX1):c.1411C>T (p.Gln471Ter)

Gene: PEX1 (peroxisomal biogenesis factor 1; minus strand). Cytogenetic location: 7q21.2.
Variant type: single nucleotide variant.
Coding change: c.1411C>T on transcript NM_000466.3 (MANE Select); coding-DNA position 1411, C replaced by T.
Protein change: p.Gln471Ter; replaces glutamine 471 with a stop codon.
Molecular consequence: nonsense.
Genome position (GRCh38, 1-based): chr7:92,511,652, G>A on the plus strand (C>T on the coding strand, the complement: PEX1 is on the minus strand). VCF-style: chr7-92511652-G-A. GRCh37 (hg19) VCF-style: chr7-92140966-G-A.
Other names: c.1411C>T, p.Gln471Ter (NM_001282677.2); c.787C>T, p.Gln263Ter (NM_001282678.2); short protein forms Q263*, Q471*.
Identifiers: ClinVar variation 1324876 (VCV001324876.10), dbSNP rs758402265, ClinGen allele CA161968969.
Genomic context (GRCh38, chr7:92,511,652, plus strand): 5'-CCAGCTTAATAAATTCTTCCTCTGATATTACCAAAGGAAGCATGGTGGTAGTAGACTGCT[G>A]TAGCCATGAATAAAATACAGTTTTTATGTCTTCTTCACTTATGTCTTTAGGCTGCCAGAA-3'

ClinVar aggregate classification (germline): Pathogenic/Likely pathogenic. Review status: criteria provided, multiple submitters, no conflicts (2 of 4 stars). 3 submissions from 3 submitters: Pathogenic (1); Likely pathogenic (2). Last evaluated 2023-05-18.

Conditions:
PEX1-related disorder. Also called: PEX1-related condition.
Zellweger spectrum disorders (ZS). Also called: Zellweger Spectrum Disorder; Zellweger Spectrum; Zellweger syndrome; Zellweger Spectrum Disorder (ZSD). Identifiers: Orphanet 912, MedGen C0043459, MONDO:0019609.

Submissions (3):

Labcorp Genetics (formerly Invitae), Labcorp
Classification: Pathogenic for Zellweger spectrum disorders. Last evaluated: 2023-05-18. Review status: criteria provided, single submitter. Criteria: Invitae Variant Classification Sherloc (09022015). Collection method: clinical testing. Allele origin: germline.
Comment: For these reasons, this variant has been classified as Pathogenic. ClinVar contains an entry for this variant (Variation ID: 1324876). This premature translational stop signal has been observed in individual(s) with Zellweger spectrum disorder (PMID: 21031596). This variant is not present in population databases (gnomAD no frequency). This sequence change creates a premature translational stop signal (p.Gln471*) in the PEX1 gene. It is expected to result in an absent or disrupted protein product. Loss-of-function variants in PEX1 are known to be pathogenic (PMID: 9398847, 16086329, 16141001, 21031596, 26387595, 31831025).

Revvity Omics, Revvity
Classification: Likely pathogenic. Last evaluated: 2021-10-11. Review status: criteria provided, single submitter. Criteria: ACMG Guidelines, 2015. Collection method: clinical testing. Allele origin: germline.

Blueprint Genetics
Classification: Likely pathogenic for PEX1-related disorders. Last evaluated: 2021-03-05. Review status: criteria provided, single submitter. Criteria: ACMG Guidelines, 2015. Collection method: clinical testing. Allele origin: germline. Affected: yes. Observed: 1 variant allele.

Literature cited by the submitters: PubMed 21031596 (cited by Labcorp Genetics (formerly Invitae), Labcorp); PubMed 9398847 (cited by Labcorp Genetics (formerly Invitae), Labcorp); PubMed 16086329 (cited by Labcorp Genetics (formerly Invitae), Labcorp); PubMed 16141001 (cited by Labcorp Genetics (formerly Invitae), Labcorp); PubMed 26387595 (cited by Labcorp Genetics (formerly Invitae), Labcorp); PubMed 31831025 (cited by Labcorp Genetics (formerly Invitae), Labcorp).